The following is an entry in ClinVar:

ClinVar aggregate classification (germline): Likely pathogenic (1 of 4 stars; one submission).

Conditions:
Cortical dysplasia-focal epilepsy syndrome (PTHSL1). Also called: Pitt-Hopkins-like syndrome 1. Identifiers: Orphanet 163681, Orphanet 221150, MedGen C2750246, MONDO:0012400, OMIM 610042.

Submission:

Women's Health and Genetics/Laboratory Corporation of America, LabCorp
Classification: Likely pathogenic for Cortical dysplasia-focal epilepsy syndrome. Last evaluated: 2022-05-19. Review status: criteria provided, single submitter. Criteria: LabCorp Variant Classification Summary - May 2015. Collection method: clinical testing. Allele origin: germline.
Comment: Variant summary: CNTNAP2 c.1723delA (p.Ser575AlafsX31) results in a premature termination codon, predicted to cause a truncation of the encoded protein or absence of the protein due to nonsense mediated decay, which are commonly known mechanisms for disease. Truncations downstream of this position have been classified as pathogenic in ClinVar (e.g. c.2153G>A [p.Trp718Ter]; c.2497del [p.Trp833fs]). The variant was absent in 251476 control chromosomes (gnomAD). To our knowledge, no occurrence of c.1723delA in individuals affected with Pitt-Hopkins-Like Syndrome 1 and no experimental evidence demonstrating its impact on protein function have been reported. No clinical diagnostic laboratories have submitted clinical-significance assessments for this variant to ClinVar after 2014. Based on the evidence outlined above, the variant was classified as likely pathogenic.

NM_014141.6(CNTNAP2):c.1723del (p.Ser575fs)

Gene: CNTNAP2 (contactin associated protein 2; plus strand). Cytogenetic location: 7q35.
Variant type: Deletion.
Coding change: c.1723del on transcript NM_014141.6 (MANE Select); coding-DNA position 1723, one base deleted (A; older notation c.1723delA).
Protein change: p.Ser575fs; shifts the reading frame from serine 575.
Molecular consequence: frameshift variant.
Genome position (GRCh38, 1-based): chr7:147,485,987, A deleted. VCF-style (leftmost placement, unchanged base first): chr7-147485986-CA-C. GRCh37 (hg19) VCF-style: chr7-147183078-CA-C.
Other names: short protein forms S575fs.
Identifiers: ClinVar variation 1696307 (VCV001696307.1), dbSNP rs2116638179, ClinGen allele CA2538168964.